The following is an entry in ClinVar:

ClinVar aggregate classification (germline): Likely benign (1 of 4 stars; one submission).

Allele frequency attached by ClinVar (database versions not stated): 1000 Genomes Project 30x 0.00062; 1000 Genomes Project 0.00080; ESP Exome Variant Server 0.00201.

Submission:

CeGaT Center for Human Genetics Tuebingen
Classification: Likely benign. Last evaluated: 2025-10-01. Review status: criteria provided, single submitter. Criteria: CeGaT Center For Human Genetics Tuebingen Variant Classification Criteria Version 2. Collection method: clinical testing. Allele origin: germline. Affected: yes. Observed: 3 variant alleles.
Comment: CYP2B6: BP4, BS2

NM_000767.5(CYP2B6):c.777C>A (p.Ser259Arg)

Gene: CYP2B6 (cytochrome P450 family 2 subfamily B member 6; plus strand). Cytogenetic location: 19q13.2.
Variant type: single nucleotide variant.
Coding change: c.777C>A on transcript NM_000767.5 (MANE Select); coding-DNA position 777, C replaced by A.
Protein change: p.Ser259Arg; replaces serine 259 with arginine.
Molecular consequence: missense variant.
Genome position (GRCh38, 1-based): chr19:41,009,350, C>A. VCF-style: chr19-41009350-C-A. GRCh37 (hg19) VCF-style: chr19-41515255-C-A.
Other names: short protein forms S259R.
Identifiers: ClinVar variation 2649919 (VCV002649919.24), dbSNP rs45482602, ClinGen allele CA9455333.